The following is an entry in ClinVar:

NM_007294.4(BRCA1):c.4751C>G (p.Ala1584Gly)

Gene: BRCA1 (BRCA1 DNA repair associated; minus strand). Cytogenetic location: 17q21.31.
Variant type: single nucleotide variant.
Coding change: c.4751C>G on transcript NM_007294.4 (MANE Select); coding-DNA position 4751, C replaced by G.
Protein change: p.Ala1584Gly; replaces alanine 1584 with glycine.
Molecular consequence: missense variant. On other transcripts: non-coding transcript variant (1).
Genome position (GRCh38, 1-based): chr17:43,071,163, G>C on the plus strand (C>G on the coding strand, the complement: BRCA1 is on the minus strand). VCF-style: chr17-43071163-G-C. GRCh37 (hg19) VCF-style: chr17-41223180-G-C.
Other names: c.1316C>G, p.Ala439Gly (NM_001408439.1, NM_001408440.1, NM_001408441.1 and 10 more transcripts); c.1313C>G, p.Ala438Gly (NM_001408445.1, NM_001408446.1, NM_001408447.1 and 2 more transcripts); c.1307C>G, p.Ala436Gly (NM_001408451.1); c.1301C>G, p.Ala434Gly (NM_001408452.1, NM_001408453.1, NM_001408454.1 and 3 more transcripts); c.1298C>G, p.Ala433Gly (NM_001408459.1, NM_001408460.1, NM_001408461.1 and 7 more transcripts); c.1295C>G, p.Ala432Gly (NM_001408468.1, NM_001408469.1, NM_001408470.1); c.1439C>G, p.Ala480Gly (NM_001408472.1, NM_001407979.1, NM_001407980.1 and 13 more transcripts); c.1436C>G, p.Ala479Gly (NM_001408473.1, NM_001408392.1, NM_001408396.1 and 8 more transcripts); and 70 more; short protein forms A1430G, A1455G, A1471G, A1494G, A1496G, A1513G, A1514G, A1541G.
Identifiers: ClinVar variation 2057967 (VCV002057967.4), dbSNP rs1060502323, ClinGen allele CA10592006.

ClinVar aggregate classification (germline): Uncertain significance (1 of 4 stars; one submission).

Conditions:
Hereditary breast ovarian cancer syndrome. Also called: Breast and ovarian cancer; BRCA1- and BRCA2-Associated Hereditary Breast and Ovarian Cancer; Hereditary breast and ovarian cancer syndrome; Hereditary breast and ovarian cancer; Hereditary breast and ovarian cancer syndrome (HBOC); Hereditary breast and/or ovarian cancer syndrome. Identifiers: Orphanet 145, MedGen C0677776, MeSH D061325, MONDO:0003582. Disease mechanism: loss of function.

Submission:

Labcorp Genetics (formerly Invitae), Labcorp
Classification: Uncertain significance for Hereditary breast ovarian cancer syndrome. Last evaluated: 2025-05-07. Review status: criteria provided, single submitter. Criteria: Invitae Variant Classification Sherloc (09022015). Collection method: clinical testing. Allele origin: germline.
Comment: This sequence change replaces alanine, which is neutral and non-polar, with glycine, which is neutral and non-polar, at codon 1584 of the BRCA1 protein (p.Ala1584Gly). This variant is not present in population databases (gnomAD no frequency). This variant has not been reported in the literature in individuals affected with BRCA1-related conditions. ClinVar contains an entry for this variant (Variation ID: 2057967). Invitae Evidence Modeling of protein sequence and biophysical properties (such as structural, functional, and spatial information, amino acid conservation, physicochemical variation, residue mobility, and thermodynamic stability) indicates that this missense variant is not expected to disrupt BRCA1 protein function with a negative predictive value of 95%. In summary, the available evidence is currently insufficient to determine the role of this variant in disease. Therefore, it has been classified as a Variant of Uncertain Significance.